The following is an entry in ClinVar:

ClinVar aggregate classification (germline): Uncertain significance. Review status: criteria provided, multiple submitters, no conflicts (2 of 4 stars). 2 submissions from 2 submitters: Uncertain significance (2). Last evaluated 2025-02-20.

gnomAD v4.1: 16 of 1,611,088 alleles (0.00099%); highest among the groups gnomAD compares: Non-Finnish European, 0.0013%; no homozygotes.

Submissions (2):

Labcorp Genetics (formerly Invitae), Labcorp
Classification: Uncertain significance. Last evaluated: 2025-02-20. Review status: criteria provided, single submitter. Criteria: Invitae Variant Classification Sherloc (09022015). Collection method: clinical testing. Allele origin: germline.
Comment: This sequence change replaces aspartic acid, which is acidic and polar, with glutamic acid, which is acidic and polar, at codon 522 of the DIAPH3 protein (p.Asp522Glu). This variant is present in population databases (rs757525555, gnomAD 0.004%). This variant has not been reported in the literature in individuals affected with DIAPH3-related conditions. ClinVar contains an entry for this variant (Variation ID: 3271958). An algorithm developed to predict the effect of missense changes on protein structure and function (PolyPhen-2) suggests that this variant is likely to be tolerated. In summary, the available evidence is currently insufficient to determine the role of this variant in disease. Therefore, it has been classified as a Variant of Uncertain Significance.

Ambry Genetics
Classification: Uncertain significance. Last evaluated: 2024-05-20. Review status: criteria provided, single submitter. Criteria: Ambry Variant Classification Scheme 2023. Collection method: clinical testing. Allele origin: germline.

NM_001042517.2(DIAPH3):c.1566C>G (p.Asp522Glu)

Gene: DIAPH3 (diaphanous related formin 3; minus strand). Cytogenetic location: 13q21.2.
Variant type: single nucleotide variant.
Coding change: c.1566C>G on transcript NM_001042517.2 (MANE Select); coding-DNA position 1566, C replaced by G.
Protein change: p.Asp522Glu; replaces aspartic acid 522 with glutamic acid.
Molecular consequence: missense variant.
Genome position (GRCh38, 1-based): chr13:59,974,436, G>C on the plus strand (C>G on the coding strand, the complement: DIAPH3 is on the minus strand). VCF-style: chr13-59974436-G-C. GRCh37 (hg19) VCF-style: chr13-60548570-G-C.
Other names: c.1533C>G, p.Asp511Glu (NM_001258366.2); c.1428C>G, p.Asp476Glu (NM_001258367.2); c.1356C>G, p.Asp452Glu (NM_001258368.2); c.1566C>G, p.Asp522Glu (NM_001258369.2); c.777C>G, p.Asp259Glu (NM_001258370.2, NM_030932.4); short protein forms D476E, D259E, D511E, D452E, D522E.
Identifiers: ClinVar variation 3271958 (VCV003271958.3).
Genomic context (GRCh38, chr13:59,974,436, plus strand): 5'-TGCTTGAAGCTCATTAATCTTTGCCTCTTTTTTCTGCAATTCAGCCTGAGTTTCTTGGTG[G>C]TCGGTAAACTCTTTTTCAAACTGAAACAAATTAAAAATAATAACAAAAACAGGAAGATGA-3'
Protein context (NP_001035982.1, residues 512-532): LYKKFEKEFT[Asp522Glu]HQETQAELQK